The following is an entry in ClinVar:

NM_006623.4(PHGDH):c.834C>A (p.Val278=)

Gene: PHGDH (phosphoglycerate dehydrogenase; plus strand). Cytogenetic location: 1p12.
Variant type: single nucleotide variant.
Coding change: c.834C>A on transcript NM_006623.4 (MANE Select); coding-DNA position 834, C replaced by A.
Protein change: p.Val278=; no amino-acid change (valine 278 retained).
Molecular consequence: synonymous variant.
Genome position (GRCh38, 1-based): chr1:119,737,155, C>A. VCF-style: chr1-119737155-C-A. GRCh37 (hg19) VCF-style: chr1-120279778-C-A.
Other names: p.Val278=.
Identifiers: ClinVar variation 292315 (VCV000292315.23), dbSNP rs147866831, ClinGen allele CA1037276.
Genomic context (GRCh38, chr1:119,737,155, plus strand): 5'-GGTATCTCTTTCTGGGCAGGAGCCGCCACGGGACCGGGCCTTGGTGGACCATGAGAATGT[C>A]ATCAGCTGTCCCCACCTGGGTGCCAGCACCAAGGAGGCTCAGAGCCGCTGTGGGGAGGAA-3'
Protein context (NP_006614.2, residues 268-288): RDRALVDHEN[Val278=]ISCPHLGAST

ClinVar aggregate classification (germline): Conflicting classifications of pathogenicity. Review status: criteria provided, conflicting classifications (1 of 4 stars). 6 submissions from 6 submitters: Uncertain significance (1); Benign (2); Likely benign (2). 1 of the submissions does not count toward it. Last evaluated 2026-01-26.

Conditions:
PHGDH deficiency. Identifiers: Orphanet 79351, MedGen C1866174, MONDO:0011152, OMIM 601815.

Allele frequency attached by ClinVar (database versions not stated): 1000 Genomes Project 0.00020; 1000 Genomes Project 30x 0.00031; gnomAD 0.00051; ESP Exome Variant Server 0.00062; ExAC 0.00064; TOPMed 0.00072; gnomAD exomes 0.00082.

Submissions (7):

Labcorp Genetics (formerly Invitae), Labcorp
Classification: Benign for PHGDH deficiency. Last evaluated: 2026-01-26. Review status: criteria provided, single submitter. Criteria: Invitae Variant Classification Sherloc (09022015). Collection method: clinical testing. Allele origin: germline.

Mayo Clinic Laboratories, Mayo Clinic
Classification: Benign. Last evaluated: 2024-11-01. Review status: criteria provided, single submitter. Criteria: ACMG Guidelines, 2015. Collection method: clinical testing. Allele origin: germline. Observed: 2 variant alleles.
Comment: BS1, BS2, BP4, BP7

Blueprint Genetics
Classification: Likely benign. Last evaluated: 2024-09-09. Review status: criteria provided, single submitter. Criteria: ACMG Guidelines, 2015. Collection method: clinical testing. Allele origin: germline.

Genetic Services Laboratory, University of Chicago
Classification: Likely benign. Last evaluated: 2021-02-17. Review status: criteria provided, single submitter. Criteria: ACMG Guidelines, 2015. Collection method: clinical testing. Allele origin: germline. Affected: no.

Illumina Laboratory Services, Illumina
Classification: Uncertain significance for PHGDH deficiency. Last evaluated: 2018-01-13. Review status: criteria provided, single submitter. Criteria: ICSL Variant Classification Criteria 13 December 2019. Collection method: clinical testing. Allele origin: germline.

Natera, Inc.
Classification: Benign for Phosphoglycerate dehydrogenase deficiency. Last evaluated: 2019-10-28. Review status: no assertion criteria provided. Collection method: clinical testing. Allele origin: germline. Not counted in ClinVar's aggregate classification.

Dr. Peter K. Rogan Lab, Western University
No classification provided (evidence only). Condition: Colon adenocarcinoma. Review status: no classification provided. Collection method: in vitro. Allele origin: not applicable. Functional consequence: retained intron. Not counted in ClinVar's aggregate classification.